The following is an entry in ClinVar:

NM_133510.4(RAD51B):c.550A>G (p.Thr184Ala)

Gene: RAD51B (RAD51 paralog B; plus strand). Cytogenetic location: 14q24.1.
Variant type: single nucleotide variant.
Coding change: c.550A>G on transcript NM_133510.4 (MANE Select); coding-DNA position 550, A replaced by G.
Protein change: p.Thr184Ala; replaces threonine 184 with alanine.
Molecular consequence: missense variant.
Genome position (GRCh38, 1-based): chr14:67,885,966, A>G. VCF-style: chr14-67885966-A-G. GRCh37 (hg19) VCF-style: chr14-68352683-A-G.
Other names: c.550A>G, p.Thr184Ala (NM_001321809.2, NM_001321810.2, NM_001321812.1 and 6 more transcripts); c.436A>G, p.Thr146Ala (NM_001321815.1); c.193A>G, p.Thr65Ala (NM_001321817.2); short protein forms T65A, T146A, T184A.
Identifiers: ClinVar variation 3942292 (VCV003942292.1).

ClinVar aggregate classification (germline): Uncertain significance (1 of 4 stars; one submission).

Submission:

Ambry Genetics
Classification: Uncertain significance. Last evaluated: 2025-04-10. Review status: criteria provided, single submitter. Criteria: Ambry Variant Classification Scheme 2023. Collection method: clinical testing. Allele origin: germline.
Comment: The p.T184A variant (also known as c.550A>G), located in coding exon 5 of the RAD51B gene, results from an A to G substitution at nucleotide position 550. The threonine at codon 184 is replaced by alanine, an amino acid with similar properties. This amino acid position is conserved. In addition, this alteration is predicted to be tolerated by in silico analysis. Based on the available evidence, the clinical significance of this variant remains unclear.